The following is an entry in ClinVar:

NM_001103.4(ACTN2):c.2576C>A (p.Ala859Asp)

Gene: ACTN2 (actinin alpha 2; plus strand). Cytogenetic location: 1q43.
Variant type: single nucleotide variant.
Coding change: c.2576C>A on transcript NM_001103.4 (MANE Select); coding-DNA position 2576, C replaced by A.
Protein change: p.Ala859Asp; replaces alanine 859 with aspartic acid.
Molecular consequence: missense variant.
Genome position (GRCh38, 1-based): chr1:236,762,510, C>A. VCF-style: chr1-236762510-C-A. GRCh37 (hg19) VCF-style: chr1-236925810-C-A.
Other names: c.2576C>A, p.Ala859Asp (NM_001278343.2); c.1952C>A, p.Ala651Asp (NM_001278344.2); short protein forms A859D, A651D.
Identifiers: ClinVar variation 662339 (VCV000662339.1), dbSNP rs773297054, ClinGen allele CA345392221.

ClinVar aggregate classification (germline): Uncertain significance (1 of 4 stars; one submission).

Conditions:
Primary familial hypertrophic cardiomyopathy (HCM). Identifiers: Orphanet 99739, MedGen C0949658, MeSH D024741, MONDO:0024573. Inheritance: Various modes of inheritance.
Dilated cardiomyopathy 1AA (CMD1AA). Also called: CARDIOMYOPATHY, DILATED, 1AA, WITH OR WITHOUT LEFT VENTRICULAR NONCOMPACTION; CARDIOMYOPATHY, FAMILIAL HYPERTROPHIC, 23, WITH OR WITHOUT LEFT VENTRICULAR NONCOMPACTION; Cardiomyopathy, dilated, 1AA, with or without LVNC. Identifiers: Orphanet 154, MedGen C2677338, MONDO:0012808, OMIM 612158.

Submission:

Labcorp Genetics (formerly Invitae), Labcorp
Classification: Uncertain significance for Primary familial hypertrophic cardiomyopathy; Dilated cardiomyopathy 1AA. Last evaluated: 2018-10-09. Review status: criteria provided, single submitter. Criteria: Invitae Variant Classification Sherloc (09022015). Collection method: clinical testing. Allele origin: germline.
Comment: This sequence change replaces alanine with aspartic acid at codon 859 of the ACTN2 protein (p.Ala859Asp). The alanine residue is highly conserved and there is a moderate physicochemical difference between alanine and aspartic acid. This variant is not present in population databases (ExAC no frequency). This variant has not been reported in the literature in individuals with ACTN2-related disease. Algorithms developed to predict the effect of missense changes on protein structure and function (SIFT, PolyPhen-2, Align-GVGD) all suggest that this variant is likely to be disruptive, but these predictions have not been confirmed by published functional studies and their clinical significance is uncertain. In summary, the available evidence is currently insufficient to determine the role of this variant in disease. Therefore, it has been classified as a Variant of Uncertain Significance.